The following is an entry in ClinVar:

NM_014991.6(WDFY3):c.6023A>G (p.Tyr2008Cys)

Gene: WDFY3 (WD repeat and FYVE domain containing 3; minus strand). Cytogenetic location: 4q21.23.
Variant type: single nucleotide variant.
Coding change: c.6023A>G on transcript NM_014991.6 (MANE Select); coding-DNA position 6023, A replaced by G.
Protein change: p.Tyr2008Cys; replaces tyrosine 2008 with cysteine.
Molecular consequence: missense variant.
Genome position (GRCh38, 1-based): chr4:84,743,750, T>C on the plus strand (A>G on the coding strand, the complement: WDFY3 is on the minus strand). VCF-style: chr4-84743750-T-C. GRCh37 (hg19) VCF-style: chr4-85664903-T-C.
Other names: short protein forms Y2008C.
Identifiers: ClinVar variation 3766287 (VCV003766287.2).

ClinVar aggregate classification (germline): Uncertain significance (1 of 4 stars; one submission).

gnomAD v4.1: 1 of 1,597,902 alleles (0.000063%); no homozygotes.

Submission:

GeneDx
Classification: Uncertain significance. Last evaluated: 2026-03-26. Review status: criteria provided, single submitter. Criteria: GeneDx Variant Classification Process June 2021. Collection method: clinical testing. Allele origin: germline.
Comment: Not observed at significant frequency in large population cohorts (gnomAD); In silico analysis supports that this missense variant has a deleterious effect on protein structure/function; Has not been previously published as pathogenic or benign to our knowledge